The following is an entry in ClinVar:

ClinVar aggregate classification (germline): Uncertain significance (1 of 4 stars; one submission).

gnomAD v4.1: 118 of 1,536,350 alleles (0.0077%); highest among the groups gnomAD compares: East Asian, 0.047%; no homozygotes.

Submission:

Women's Health and Genetics/Laboratory Corporation of America, LabCorp
Classification: Uncertain significance. Last evaluated: 2025-03-20. Review status: criteria provided, single submitter. Criteria: LabCorp Variant Classification Summary - May 2015. Collection method: clinical testing. Allele origin: germline.
Comment: Variant summary: DNAH14 c.5197-1G>A is located in a canonical splice-site and is predicted to affect mRNA splicing resulting in a significantly altered protein due to either exon skipping, shortening, or inclusion of intronic material. Variants that disrupt the consensus splice site are a relatively common cause of aberrant splicing, however current evidence is not sufficient to establish loss of function as a mechanism for disease. The variant allele was found at a frequency of 0.00023 in 152786 control chromosomes. This frequency is not significantly higher than estimated for a pathogenic variant in DNAH14 causing DNAH14-Related Disorders, allowing no conclusion about variant significance. To our knowledge, no occurrence of c.5197-1G>A in individuals affected with DNAH14-Related Disorders and no experimental evidence demonstrating its impact on protein function have been reported. No submitters have cited clinical-significance assessments for this variant to ClinVar. Based on the evidence outlined above, the variant was classified as uncertain significance.

NM_001367479.1(DNAH14):c.5197-1G>A

Gene: DNAH14 (dynein axonemal heavy chain 14; plus strand). Cytogenetic location: 1q42.12.
Variant type: single nucleotide variant.
Coding change: c.5197-1G>A on transcript NM_001367479.1 (MANE Select); the canonical splice acceptor site of the intron before coding-DNA position 5197, G replaced by A.
Molecular consequence: splice acceptor variant.
Genome position (GRCh38, 1-based): chr1:225,153,749, G>A. VCF-style: chr1-225153749-G-A. GRCh37 (hg19) VCF-style: chr1-225341451-G-A.
Identifiers: ClinVar variation 3896063 (VCV003896063.1).
Genomic context (GRCh38, chr1:225,153,749, plus strand): 5'-ATTTGTTTTCATATTTTTTCTTTAGAAACTTTAATAATTCAAATATTTTAATGTTTGATA[G>A]GATCATTATAATTTTGGCTTGAGATCTCTGAAGATAGTTTTAATAATGGCTGGAACGAAG-3'